The following is an entry in ClinVar:

NM_002354.3(EPCAM):c.255A>T (p.Glu85Asp)

Gene: EPCAM (epithelial cell adhesion molecule; plus strand). Cytogenetic location: 2p21.
Variant type: single nucleotide variant.
Coding change: c.255A>T on transcript NM_002354.3 (MANE Select); coding-DNA position 255, A replaced by T.
Protein change: p.Glu85Asp; replaces glutamic acid 85 with aspartic acid.
Molecular consequence: missense variant.
Genome position (GRCh38, 1-based): chr2:47,373,878, A>T. VCF-style: chr2-47373878-A-T. GRCh37 (hg19) VCF-style: chr2-47601017-A-T.
Other names: short protein forms E85D.
Identifiers: ClinVar variation 1793058 (VCV001793058.4), dbSNP rs569806641, ClinGen allele CA1648939.

ClinVar aggregate classification (germline): Uncertain significance. Review status: criteria provided, multiple submitters, no conflicts (2 of 4 stars). 2 submissions from 2 submitters: Uncertain significance (2). Last evaluated 2025-01-04.

Conditions:
Hereditary cancer-predisposing syndrome. Also called: Tumor predisposition; Hereditary Cancer Syndrome; Neoplastic Syndromes, Hereditary; Hereditary neoplastic syndrome. Identifiers: Orphanet 140162, MedGen C0027672, MeSH D009386, MONDO:0015356.
Lynch syndrome 8 (LYNCH8). Also called: Colorectal cancer, hereditary nonpolyposis, type 8. Identifiers: Orphanet 144, MedGen C2750471, MONDO:0013196, OMIM 613244.

Allele frequency attached by ClinVar (database versions not stated): TOPMed 0.00002; gnomAD 0.00003; gnomAD exomes 0.00004; ExAC 0.00009.
gnomAD v4.1: 67 of 1,613,990 alleles (0.0042%); highest among the groups gnomAD compares: South Asian, 0.069%; no homozygotes.

Submissions (2):

Ambry Genetics
Classification: Uncertain significance for Hereditary cancer-predisposing syndrome. Last evaluated: 2025-01-04. Review status: criteria provided, single submitter. Criteria: Ambry Variant Classification Scheme 2023. Collection method: clinical testing. Allele origin: germline.

Neuberg Centre For Genomic Medicine, NCGM
Classification: Uncertain significance for Lynch syndrome 8. Last evaluated: 2023-07-22. Review status: criteria provided, single submitter. Criteria: ACMG Guidelines, 2015. Collection method: clinical testing. Allele origin: germline. Inheritance: Autosomal dominant inheritance. Affected: yes.
Comment: The observed missense c.255A>Tp.Glu85Asp variant in EPCAM gene has not been previously reported as a pathogenic nor as a benign variant, to our knowledge. The p.Glu85Asp variant is present with allelic frequency 0.006% in gnomAD exomes. This variant has been submitted to the ClinVar database as Uncertain Significance. Multiple lines of computational evidence Polyphen - Benign, SIFT - Tolerated and MutationTaster - Polymorphism predict no damaging effect on protein structure and function for this variant. The reference amino acid of p.Glu85Asp in EPCAM gene is predicted as conserved by GERP++ and PhyloP across 100 vertebrates. The amino acid Glu at position 85 is changed to a Asp changing protein sequence and it might alter its composition and physico-chemical properties. For these reasons, this variant has been classified as Variant of Uncertain Significance VUS.